The following is an entry in ClinVar:

NM_001394062.1(MACF1):c.14549A>G (p.Tyr4850Cys)

Genes: MACF1 (microtubule actin crosslinking factor 1; plus strand), LOC114803468 (MACF1 eExon liver enhancer; plus strand). Cytogenetic location: 1p34.3.
Variant type: single nucleotide variant.
Coding change: c.14549A>G on transcript NM_001394062.1 (MANE Select); coding-DNA position 14549, A replaced by G.
Protein change: p.Tyr4850Cys; replaces tyrosine 4850 with cysteine.
Molecular consequence: missense variant.
Genome position (GRCh38, 1-based): chr1:39,387,391, A>G. VCF-style: chr1-39387391-A-G. GRCh37 (hg19) VCF-style: chr1-39853063-A-G.
Other names: c.8363A>G, p.Tyr2788Cys (NM_012090.5); short protein forms Y2788C, Y4850C.
Identifiers: ClinVar variation 1699562 (VCV001699562.2), dbSNP rs1641847568, ClinGen allele CA339739580.

ClinVar aggregate classification (germline): Uncertain significance (1 of 4 stars; one submission).

Allele frequency attached by ClinVar (database versions not stated): gnomAD exomes below 0.00001; TOPMed below 0.00001.
gnomAD v4.1: 1 of 1,614,222 alleles (0.000062%); highest among the groups gnomAD compares: South Asian, 0.0011%; no homozygotes.

Submission:

GeneDx
Classification: Uncertain significance. Last evaluated: 2022-01-31. Review status: criteria provided, single submitter. Criteria: GeneDx Variant Classification Process June 2021. Collection method: clinical testing. Allele origin: germline. Affected: yes.
Comment: Not observed at significant frequency in large population cohorts (gnomAD); In silico analysis supports that this missense variant has a deleterious effect on protein structure/function; Has not been previously published as pathogenic or benign to our knowledge